The following is an entry in ClinVar:

NM_152443.3(RDH12):c.794G>C (p.Ser265Thr)

Genes: GPHN (gephyrin; plus strand), RDH12 (retinol dehydrogenase 12; plus strand), ZFYVE26 (zinc finger FYVE-type containing 26; minus strand). Cytogenetic location: 14q24.1.
Variant type: single nucleotide variant.
Coding change: c.794G>C on transcript NM_152443.3 (MANE Select); coding-DNA position 794, G replaced by C.
Protein change: p.Ser265Thr; replaces serine 265 with threonine.
Molecular consequence: missense variant.
Genome position (GRCh38, 1-based): chr14:67,729,326, G>C. VCF-style: chr14-67729326-G-C. GRCh37 (hg19) VCF-style: chr14-68196043-G-C.
Other names: short protein forms S265T.
Identifiers: ClinVar variation 836061 (VCV000836061.11), dbSNP rs766633594, ClinGen allele CA7238818.

ClinVar aggregate classification (germline): Uncertain significance. Review status: criteria provided, multiple submitters, no conflicts (2 of 4 stars). 3 submissions from 3 submitters: Uncertain significance (3). Last evaluated 2024-10-24.

Conditions:
Inborn genetic diseases. Identifiers: MedGen C0950123, MeSH D030342.
Leber congenital amaurosis 13 (LCA13). Identifiers: MedGen C2675186, MONDO:0012990, OMIM 612712.

Allele frequency attached by ClinVar (database versions not stated): gnomAD 0.00001; gnomAD exomes 0.00001 and 0.00002; ExAC 0.00002.
gnomAD v4.1: 25 of 1,599,554 alleles (0.0016%); highest among the groups gnomAD compares: Non-Finnish European, 0.0019%; no homozygotes.

Submissions (3):

Ambry Genetics
Classification: Uncertain significance for Inborn genetic diseases. Last evaluated: 2024-10-24. Review status: criteria provided, single submitter. Criteria: Ambry Variant Classification Scheme 2023. Collection method: clinical testing. Allele origin: germline.

Labcorp Genetics (formerly Invitae), Labcorp
Classification: Uncertain significance for Leber congenital amaurosis 13. Last evaluated: 2024-06-23. Review status: criteria provided, single submitter. Criteria: Invitae Variant Classification Sherloc (09022015). Collection method: clinical testing. Allele origin: germline.
Comment: This sequence change replaces serine, which is neutral and polar, with threonine, which is neutral and polar, at codon 265 of the RDH12 protein (p.Ser265Thr). This variant is present in population databases (rs766633594, gnomAD 0.002%). This variant has not been reported in the literature in individuals affected with RDH12-related conditions. ClinVar contains an entry for this variant (Variation ID: 836061). Advanced modeling of protein sequence and biophysical properties (such as structural, functional, and spatial information, amino acid conservation, physicochemical variation, residue mobility, and thermodynamic stability) performed at Invitae indicates that this missense variant is not expected to disrupt RDH12 protein function with a negative predictive value of 80%. In summary, the available evidence is currently insufficient to determine the role of this variant in disease. Therefore, it has been classified as a Variant of Uncertain Significance.

Blueprint Genetics
Classification: Uncertain significance. Last evaluated: 2022-09-16. Review status: criteria provided, single submitter. Criteria: ACMG Guidelines, 2015. Collection method: clinical testing. Allele origin: germline.